The following is an entry in ClinVar:

NC_000018.9:g.21124907_21124908insCCCGCC

Gene: NPC1 (NPC intracellular cholesterol transporter 1; minus strand). Cytogenetic location: 18q11.2.
Variant type: Insertion.
Molecular consequence: intron variant (on NM_000271.5).
Genome position: GRCh38 VCF-style: chr18-23544943-A-ACCCGCC. GRCh37 (hg19) VCF-style: chr18-21124907-A-ACCCGCC.
Other names: c.1947+16_1947+17insGGGGGC (NM_000271.5).
Identifiers: ClinVar variation 2907089 (VCV002907089.1), dbSNP rs1555634620, ClinGen allele CA2581338642.

ClinVar aggregate classification (germline): Likely benign. Review status: criteria provided, single submitter (1 of 4 stars). 2 submissions from 1 submitter: Likely benign (1). 1 of the submissions does not count toward it. Last evaluated 2023-08-29.

Conditions:
Niemann-Pick disease, type C1. Also called: NEUROVISCERAL STORAGE DISEASE WITH VERTICAL SUPRANUCLEAR OPHTHALMOPLEGIA; NIEMANN-PICK DISEASE WITH CHOLESTEROL ESTERIFICATION BLOCK; NIEMANN-PICK DISEASE WITHOUT SPHINGOMYELINASE DEFICIENCY; NIEMANN-PICK DISEASE, CHRONIC NEURONOPATHIC FORM; NIEMANN-PICK DISEASE, VARIANT TYPE C1. Identifiers: Orphanet 646, MedGen C3179455, MONDO:0009757, OMIM 257220.

Submissions (2):

Labcorp Genetics (formerly Invitae), Labcorp
Classification: Likely benign for Niemann-Pick disease, type C1. Last evaluated: 2023-08-29. Review status: criteria provided, single submitter. Criteria: Invitae Variant Classification Sherloc (09022015). Collection method: clinical testing. Allele origin: germline.

Labcorp Genetics (formerly Invitae), Labcorp
Classification: Likely benign for Niemann-Pick disease, type C1. Last evaluated: 2023-03-20. Review status: flagged submission. Criteria: Invitae Variant Classification Sherloc (09022015). Collection method: clinical testing. Allele origin: germline. Not counted in ClinVar's aggregate classification.
ClinVar note: Reason: This record appears to be redundant with a more recent record from the same submitter.
ClinVar note: Notes: SCV004484451 appears to be redundant with SCV004536907.